The following is an entry in ClinVar:

ClinVar aggregate classification (germline): Uncertain significance (1 of 4 stars; one submission).

Conditions:
Hereditary cancer-predisposing syndrome. Also called: Neoplastic Syndromes, Hereditary; Tumor predisposition; Hereditary neoplastic syndrome; Hereditary Cancer Syndrome. Identifiers: Orphanet 140162, MedGen C0027672, MeSH D009386, MONDO:0015356.

Submission:

Ambry Genetics
Classification: Uncertain significance for Hereditary cancer-predisposing syndrome. Last evaluated: 2026-06-16. Review status: criteria provided, single submitter. Criteria: Ambry Variant Classification Scheme 2023. Collection method: clinical testing. Allele origin: germline.
Comment: The p.P1772L variant (also known as c.5315C>T), located in coding exon 15 of the APC gene, results from a C to T substitution at nucleotide position 5315. The proline at codon 1772 is replaced by leucine, an amino acid with similar properties. This amino acid position is conserved. In addition, in silico predictors for this gene do not accurately predict pathogenicity. Based on the available evidence, the clinical significance of this variant remains unclear.

NM_000038.6(APC):c.5315C>T (p.Pro1772Leu)

Gene: APC (APC regulator of Wnt signaling pathway; plus strand). Cytogenetic location: 5q22.2.
Variant type: single nucleotide variant.
Coding change: c.5315C>T on transcript NM_000038.6 (MANE Select); coding-DNA position 5315, C replaced by T.
Protein change: p.Pro1772Leu; replaces proline 1772 with leucine.
Molecular consequence: missense variant. On other transcripts: non-coding transcript variant (2).
Genome position (GRCh38, 1-based): chr5:112,840,909, C>T. VCF-style: chr5-112840909-C-T. GRCh37 (hg19) VCF-style: chr5-112176606-C-T.
Other names: c.5315C>T, p.Pro1772Leu (NM_001127510.3, NM_001354895.2, NM_001407450.1); c.5261C>T, p.Pro1754Leu (NM_001127511.3); c.5369C>T, p.Pro1790Leu (NM_001354896.2, NM_001407447.1, NM_001407448.1 and 1 more transcripts); c.5345C>T, p.Pro1782Leu (NM_001354897.2); c.5240C>T, p.Pro1747Leu (NM_001354898.2); c.5231C>T, p.Pro1744Leu (NM_001354899.2); c.5192C>T, p.Pro1731Leu (NM_001354900.2); c.5138C>T, p.Pro1713Leu (NM_001354901.2, NM_001407453.1); and 11 more; short protein forms P1643L, P1646L, P1671L, P1747L, P1790L, P1388L, P1689L, P1713L.
Identifiers: ClinVar variation 5024589 (VCV005024589.1).